The following is an entry in ClinVar:

ClinVar aggregate classification (germline): Uncertain significance. Review status: criteria provided, multiple submitters, no conflicts (2 of 4 stars). 3 submissions from 3 submitters: Uncertain significance (3). Last evaluated 2025-08-09.

Conditions:
Inborn genetic diseases. Identifiers: MedGen C0950123, MeSH D030342.
Pili torti-deafness syndrome (BJS). Also called: PILI TORTI AND NERVE DEAFNESS; Bjornstad syndrome. Identifiers: Orphanet 123, MedGen C0266006, MONDO:0009872, OMIM 262000.
GRACILE syndrome (FLNMS). Also called: FELLMAN SYNDROME; FINNISH LETHAL NEONATAL METABOLIC SYNDROME. Identifiers: Orphanet 53693, MedGen C1864002, MONDO:0011308, OMIM 603358.
Mitochondrial complex III deficiency nuclear type 1. Identifiers: Orphanet 254902, MedGen C3541471, MONDO:0007415, OMIM 124000.

Allele frequency attached by ClinVar (database versions not stated): gnomAD exomes below 0.00001 and 0.00001; ExAC 0.00001; gnomAD 0.00004 and 0.00005; TOPMed 0.00006.
gnomAD v4.1: 11 of 1,614,102 alleles (0.00068%); highest among the groups gnomAD compares: African/African-American, 0.011%; no homozygotes.

Submissions (3):

Ambry Genetics
Classification: Uncertain significance for Inborn genetic diseases. Last evaluated: 2025-08-09. Review status: criteria provided, single submitter. Criteria: Ambry Variant Classification Scheme 2023. Collection method: clinical testing. Allele origin: germline.

Labcorp Genetics (formerly Invitae), Labcorp
Classification: Uncertain significance. Last evaluated: 2022-06-25. Review status: criteria provided, single submitter. Criteria: Invitae Variant Classification Sherloc (09022015). Collection method: clinical testing. Allele origin: germline.
Comment: This sequence change replaces glutamine, which is neutral and polar, with histidine, which is basic and polar, at codon 195 of the BCS1L protein (p.Gln195His). This variant is present in population databases (rs771252024, gnomAD 0.01%). This variant has not been reported in the literature in individuals affected with BCS1L-related conditions. Advanced modeling of protein sequence and biophysical properties (such as structural, functional, and spatial information, amino acid conservation, physicochemical variation, residue mobility, and thermodynamic stability) performed at Invitae indicates that this missense variant is not expected to disrupt BCS1L protein function. Algorithms developed to predict the effect of sequence changes on RNA splicing suggest that this variant may disrupt the consensus splice site. In summary, the available evidence is currently insufficient to determine the role of this variant in disease. Therefore, it has been classified as a Variant of Uncertain Significance.

Fulgent Genetics
Classification: Uncertain significance for Mitochondrial complex III deficiency nuclear type 1; Pili torti-deafness syndrome; GRACILE syndrome. Last evaluated: 2022-02-11. Review status: criteria provided, single submitter. Criteria: ACMG Guidelines, 2015. Collection method: clinical testing. Allele origin: unknown.

NM_001079866.2(BCS1L):c.585G>C (p.Gln195His)

Gene: BCS1L (BCS1 ubiquinol-cytochrome c reductase complex chaperone; plus strand). Cytogenetic location: 2q35.
Variant type: single nucleotide variant.
Coding change: c.585G>C on transcript NM_001079866.2 (MANE Select); coding-DNA position 585, G replaced by C.
Protein change: p.Gln195His; replaces glutamine 195 with histidine.
Molecular consequence: missense variant. On other transcripts: non-coding transcript variant (1).
Genome position (GRCh38, 1-based): chr2:218,661,883, G>C. VCF-style: chr2-218661883-G-C. GRCh37 (hg19) VCF-style: chr2-219526606-G-C.
Other names: c.585G>C, p.Gln195His (NM_001257342.2, NM_001257343.2, NM_001257344.2 and 10 more transcripts); c.225G>C, p.Gln75His (NM_001318836.2, NM_001371451.1); c.84G>C, p.Gln28His (NM_001371452.1, NM_001371453.1, NM_001371454.1 and 3 more transcripts); c.585G>C (NM_004328.4); short protein forms Q75H, Q195H, Q28H.
Identifiers: ClinVar variation 1369594 (VCV001369594.5), dbSNP rs771252024, ClinGen allele CA2109699.